The following is an entry in ClinVar:

ClinVar aggregate classification (germline): Uncertain significance (1 of 4 stars; one submission).

Allele frequency attached by ClinVar (database versions not stated): ExAC 0.00002; gnomAD exomes 0.00003; TOPMed 0.00004; gnomAD 0.00005.
gnomAD v4.1: 121 of 1,578,780 alleles (0.0077%); highest among the groups gnomAD compares: Non-Finnish European, 0.01%; no homozygotes.

Submission:

Labcorp Genetics (formerly Invitae), Labcorp
Classification: Uncertain significance. Last evaluated: 2025-12-23. Review status: criteria provided, single submitter. Criteria: Invitae Variant Classification Sherloc (09022015). Collection method: clinical testing. Allele origin: germline.
Comment: This sequence change replaces threonine, which is neutral and polar, with isoleucine, which is neutral and non-polar, at codon 532 of the RIPK1 protein (p.Thr532Ile). This variant is present in population databases (rs554441687, gnomAD 0.006%). This variant has not been reported in the literature in individuals affected with RIPK1-related conditions. ClinVar contains an entry for this variant (Variation ID: 1416581). An algorithm developed to predict the effect of missense changes on protein structure and function (PolyPhen-2) suggests that this variant is likely to be tolerated. In summary, the available evidence is currently insufficient to determine the role of this variant in disease. Therefore, it has been classified as a Variant of Uncertain Significance.

NM_001354930.2(RIPK1):c.1595C>T (p.Thr532Ile)

Gene: RIPK1 (receptor interacting serine/threonine kinase 1; plus strand). Cytogenetic location: 6p25.2.
Variant type: single nucleotide variant.
Coding change: c.1595C>T on transcript NM_001354930.2 (MANE Select); coding-DNA position 1595, C replaced by T.
Protein change: p.Thr532Ile; replaces threonine 532 with isoleucine.
Molecular consequence: missense variant.
Genome position (GRCh38, 1-based): chr6:3,110,821, C>T. VCF-style: chr6-3110821-C-T. GRCh37 (hg19) VCF-style: chr6-3111055-C-T.
Other names: c.1106C>T, p.Thr369Ile (NM_001317061.3, NM_001354932.2, NM_001354933.2 and 1 more transcripts); c.1457C>T, p.Thr486Ile (NM_001354931.2); c.1595C>T, p.Thr532Ile (NM_003804.6); short protein forms T486I, T369I, T532I.
Identifiers: ClinVar variation 1416581 (VCV001416581.6), dbSNP rs554441687, ClinGen allele CA3618467.
Genomic context (GRCh38, chr6:3,110,821, plus strand): 5'-TTTGATCTAGAATTACTTACCTGTGTGTTTCTCTCTATGCAGATGAATCTATAAAATATA[C>T]CATATACAATAGTACTGGCATTCAGATTGGAGCCTACAATTATATGGAGATTGGTGGGAC-3'
Protein context (NP_001341859.1, residues 522-542): LPPTDESIKY[Thr532Ile]IYNSTGIQIG